The following is an entry in ClinVar:

NM_001003722.2(GLE1):c.1243-2A>G

Gene: GLE1 (GLE1 RNA export mediator; plus strand). Cytogenetic location: 9q34.11.
Variant type: single nucleotide variant.
Coding change: c.1243-2A>G on transcript NM_001003722.2 (MANE Select); the canonical splice acceptor site of the intron before coding-DNA position 1243, A replaced by G.
Molecular consequence: splice acceptor variant.
Genome position (GRCh38, 1-based): chr9:128,527,454, A>G. VCF-style: chr9-128527454-A-G. GRCh37 (hg19) VCF-style: chr9-131289733-A-G.
Other names: c.1243-2A>G (NM_001499.2, NM_001411013.1).
Identifiers: ClinVar variation 2070522 (VCV002070522.4), dbSNP rs2540608495, ClinGen allele CA375041999.

ClinVar aggregate classification (germline): Likely pathogenic (1 of 4 stars; one submission).

Submission:

Labcorp Genetics (formerly Invitae), Labcorp
Classification: Likely pathogenic. Last evaluated: 2022-01-02. Review status: criteria provided, single submitter. Criteria: Invitae Variant Classification Sherloc (09022015). Collection method: clinical testing. Allele origin: germline.
Comment: In summary, the currently available evidence indicates that the variant is pathogenic, but additional data are needed to prove that conclusively. Therefore, this variant has been classified as Likely Pathogenic. Algorithms developed to predict the effect of sequence changes on RNA splicing suggest that this variant may disrupt the consensus splice site. This variant has not been reported in the literature in individuals affected with GLE1-related conditions. This variant is not present in population databases (gnomAD no frequency). This sequence change affects an acceptor splice site in intron 8 of the GLE1 gene. It is expected to disrupt RNA splicing. Variants that disrupt the donor or acceptor splice site typically lead to a loss of protein function (PMID: 16199547), and loss-of-function variants in GLE1 are known to be pathogenic (PMID: 18204449, 24243016, 27684565).

Literature cited by the submitters: PubMed 16199547; PubMed 18204449; PubMed 24243016; PubMed 27684565.